The following is an entry in ClinVar:

NM_203447.4(DOCK8):c.3700+93A>C

Gene: DOCK8 (dedicator of cytokinesis 8; plus strand). Cytogenetic location: 9p24.3.
Variant type: single nucleotide variant.
Coding change: c.3700+93A>C on transcript NM_203447.4 (MANE Select); 93 bases into the intron after coding-DNA position 3700, A replaced by C.
Molecular consequence: intron variant.
Genome position (GRCh38, 1-based): chr9:415,044, A>C. VCF-style: chr9-415044-A-C. GRCh37 (hg19) VCF-style: chr9-415044-A-C.
Other names: c.3496+93A>C (NM_001193536.2); c.3400+93A>C (NM_001190458.2).
Identifiers: ClinVar variation 675094 (VCV000675094.4), dbSNP rs55709009, ClinGen allele CA12945902.

ClinVar aggregate classification (germline): Benign. Review status: criteria provided, multiple submitters, no conflicts (2 of 4 stars). 3 submissions from 3 submitters: Benign (3). Last evaluated 2023-11-12.

Allele frequency attached by ClinVar (database versions not stated): 1000 Genomes Project 0.13858; gnomAD exomes 0.14122; 1000 Genomes Project 30x 0.14210; TOPMed 0.16561; gnomAD 0.16579 and 0.17006.
gnomAD v4.1: 216,757 of 1,509,878 alleles (14%); highest among the groups gnomAD compares: African/African-American, 22%; 16,634 homozygotes.

Submissions (3):

Unidad de Genómica Garrahan, Hospital de Pediatría Garrahan
Classification: Benign. Last evaluated: 2023-11-12. Review status: criteria provided, single submitter. Criteria: ACMG Guidelines, 2015. Collection method: clinical testing. Allele origin: germline. Affected: no. Observed: 25 variant alleles.
Comment: This variant is classified as Benign based on local population frequency. This variant was detected in 26% of patients studied by a panel of primary immunodeficiencies. Number of patients: 25. Only high quality variants are reported.

GeneDx
Classification: Benign. Last evaluated: 2018-06-16. Review status: criteria provided, single submitter. Criteria: GeneDx Variant Classification (06012015). Collection method: clinical testing. Allele origin: germline. Affected: yes.
Comment: This variant is considered likely benign or benign based on one or more of the following criteria: it is a conservative change, it occurs at a poorly conserved position in the protein, it is predicted to be benign by multiple in silico algorithms, and/or has population frequency not consistent with disease.

Breakthrough Genomics
Classification: Benign. Review status: criteria provided, single submitter. Criteria: ACMG Guidelines, 2015. Collection method: not provided. Allele origin: germline. Inheritance: Autosomal recessive inheritance. Affected: yes.